The following is an entry in ClinVar:

NM_014633.5(CTR9):c.1618A>G (p.Met540Val)

Gene: CTR9 (CTR9 component of Paf1/RNA polymerase II complex; plus strand). Cytogenetic location: 11p15.4.
Variant type: single nucleotide variant.
Coding change: c.1618A>G on transcript NM_014633.5 (MANE Select); coding-DNA position 1618, A replaced by G.
Protein change: p.Met540Val; replaces methionine 540 with valine.
Molecular consequence: missense variant.
Genome position (GRCh38, 1-based): chr11:10,766,422, A>G. VCF-style: chr11-10766422-A-G. GRCh37 (hg19) VCF-style: chr11-10787969-A-G.
Other names: c.1618A>G, p.Met540Val (NM_001346279.2); short protein forms M540V.
Identifiers: ClinVar variation 4008092 (VCV004008092.2).
Genomic context (GRCh38, chr11:10,766,422, plus strand): 5'-CTAATATTTGGGATATAAAAACTTTTAAATATGTTTTCAGGCTATTTGCGCCTAGGAGCC[A>G]TGGCTAGAGATAAGGGAAACTTTTATGAGGCTTCAGATTGGTTTAAGGAAGCTCTTCAGA-3'
Protein context (NP_055448.1, residues 530-550): YVDCYLRLGA[Met540Val]ARDKGNFYEA

ClinVar aggregate classification (germline): Uncertain significance. Review status: criteria provided, multiple submitters, no conflicts (2 of 4 stars). 2 submissions from 2 submitters: Uncertain significance (2). Last evaluated 2025-04-15.

Conditions:
Inborn genetic diseases. Identifiers: MedGen C0950123, MeSH D030342.

gnomAD v4.1: 3 of 1,610,160 alleles (0.00019%); highest among the groups gnomAD compares: South Asian, 0.0022%; no homozygotes.

Submissions (2):

Ambry Genetics
Classification: Uncertain significance for Inborn genetic diseases. Last evaluated: 2025-04-15. Review status: criteria provided, single submitter. Criteria: Ambry Variant Classification Scheme 2023. Collection method: clinical testing. Allele origin: germline.

Labcorp Genetics (formerly Invitae), Labcorp
Classification: Uncertain significance. Last evaluated: 2025-03-27. Review status: criteria provided, single submitter. Criteria: Invitae Variant Classification Sherloc (09022015). Collection method: clinical testing. Allele origin: germline.
Comment: This sequence change replaces methionine, which is neutral and non-polar, with valine, which is neutral and non-polar, at codon 540 of the CTR9 protein (p.Met540Val). This variant is present in population databases (rs752220221, gnomAD 0.0009%). This variant has not been reported in the literature in individuals affected with CTR9-related conditions. An algorithm developed to predict the effect of missense changes on protein structure and function (PolyPhen-2) suggests that this variant is likely to be disruptive. In summary, the available evidence is currently insufficient to determine the role of this variant in disease. Therefore, it has been classified as a Variant of Uncertain Significance.